The following is an entry in ClinVar:

ClinVar aggregate classification (germline): Likely benign. Review status: criteria provided, multiple submitters, no conflicts (2 of 4 stars). 6 submissions from 5 submitters: Likely benign (5). 1 of the submissions does not count toward it. Last evaluated 2024-11-11.

Conditions:
Retinitis pigmentosa 39 (RP39). Identifiers: Orphanet 791, MedGen C3151138, MONDO:0013436, OMIM 613809.
Usher syndrome type 2A. Also called: RETINAL DISEASE IN USHER SYNDROME TYPE IIA, MODIFIER OF; USHER SYNDROME, TYPE IIA. Identifiers: Orphanet 231178, Orphanet 886, MedGen C1848634, MONDO:0010169, OMIM 276901.

Allele frequency attached by ClinVar (database versions not stated): ExAC 0.00001; TOPMed 0.00001; gnomAD exomes 0.00002 and 0.00004.
gnomAD v4.1: 26 of 1,614,000 alleles (0.0016%); highest among the groups gnomAD compares: Non-Finnish European, 0.0022%; no homozygotes.

Submissions (6):

Labcorp Genetics (formerly Invitae), Labcorp
Classification: Likely benign. Last evaluated: 2024-11-11. Review status: criteria provided, single submitter. Criteria: Invitae Variant Classification Sherloc (09022015). Collection method: clinical testing. Allele origin: germline.

Blueprint Genetics
Classification: Likely benign. Last evaluated: 2024-10-22. Review status: criteria provided, single submitter. Criteria: ACMG Guidelines, 2015. Collection method: clinical testing. Allele origin: germline.

Genome-Nilou Lab
Classification: Likely benign for Retinitis pigmentosa 39. Last evaluated: 2023-11-04. Review status: criteria provided, single submitter. Criteria: ACMG Guidelines, 2015. Collection method: clinical testing. Allele origin: germline. Affected: no.

Genome-Nilou Lab
Classification: Likely benign for Usher syndrome type 2A. Last evaluated: 2023-11-04. Review status: criteria provided, single submitter. Criteria: ACMG Guidelines, 2015. Collection method: clinical testing. Allele origin: germline. Affected: no.

Laboratory for Molecular Medicine, Mass General Brigham Personalized Medicine
Classification: Likely benign. Last evaluated: 2014-07-03. Review status: criteria provided, single submitter. Criteria: LMM Criteria. Collection method: clinical testing. Allele origin: germline. Observed: 1 variant allele.
Comment: Leu2047Leu in exon 31 of USH2A: This variant is not expected to have clinical si gnificance because it does not alter an amino acid residue and is not located wi thin the splice consensus sequence.

Counsyl
Classification: Likely benign for Usher syndrome type 2A; Retinitis pigmentosa 39. Last evaluated: 2017-05-02. Review status: no assertion criteria provided. Collection method: clinical testing. Allele origin: unknown. Not counted in ClinVar's aggregate classification.

NM_206933.4(USH2A):c.6141G>A (p.Leu2047=)

Gene: USH2A (usherin; minus strand). Cytogenetic location: 1q41.
Variant type: single nucleotide variant.
Coding change: c.6141G>A on transcript NM_206933.4 (MANE Select); coding-DNA position 6141, G replaced by A.
Protein change: p.Leu2047=; no amino-acid change (leucine 2047 retained).
Molecular consequence: synonymous variant.
Genome position (GRCh38, 1-based): chr1:216,048,556, C>T on the plus strand (G>A on the coding strand, the complement: USH2A is on the minus strand). VCF-style: chr1-216048556-C-T. GRCh37 (hg19) VCF-style: chr1-216221898-C-T.
Identifiers: ClinVar variation 179839 (VCV000179839.16), dbSNP rs727505165, ClinGen allele CA185245.
Genomic context (GRCh38, chr1:216,048,556, plus strand): 5'-CTGAAATGTGGAAGTCAAGACCTTTGAAATTACTTTACCTTCTTGTGGAGTAGAGATGTT[C>T]AATGCATGTGAGCTCTCAGTACAGCCAGCCAAAGTGCAAGCAGTTAGGGTTACTGCATAG-3'
Protein context (NP_996816.3, residues 2037-2057): LAGCTESSHA[Leu2047=]NISTPQEAPQ